The following is an entry in ClinVar:

ClinVar aggregate classification (germline): Pathogenic/Likely pathogenic. Review status: criteria provided, multiple submitters, no conflicts (2 of 4 stars). 3 submissions from 3 submitters: Pathogenic (2); Likely pathogenic (1). Last evaluated 2026-04-26.

Conditions:
Cardiovascular phenotype. Identifiers: MedGen CN230736.

Allele frequency attached by ClinVar (database versions not stated): TOPMed below 0.00001; gnomAD 0.00001.
gnomAD v4.1: 1 of 1,613,882 alleles (0.000062%); highest among the groups gnomAD compares: Non-Finnish European, 0.000085%; no homozygotes.

Submissions (3):

Dasa
Classification: Likely pathogenic. Last evaluated: 2026-04-26. Review status: criteria provided, single submitter. Criteria: DASA Assertion Criteria. Collection method: clinical testing. Allele origin: germline.
Comment: NM_020778.5(ALPK3):c.2131C>T (p.Gln711*) is a nonsense variant in ALPK3 predicted to introduce a premature termination codon and is predicted to result in an absent or altered protein product. Loss of function is an established disease mechanism for ALPK3-associated disorders. Also, this variant is rare in population databases. Based on the currently available evidence, this variant is classified as likely pathogenic.

Labcorp Genetics (formerly Invitae), Labcorp
Classification: Pathogenic. Last evaluated: 2025-07-23. Review status: criteria provided, single submitter. Criteria: Invitae Variant Classification Sherloc (09022015). Collection method: clinical testing. Allele origin: germline.
Comment: This sequence change creates a premature translational stop signal (p.Gln913*) in the ALPK3 gene. It is expected to result in an absent or disrupted protein product. Loss-of-function variants in ALPK3 are known to be pathogenic (PMID: 21441111, 26846950, 27106955, 34263907). This variant is not present in population databases (gnomAD no frequency). This variant has not been reported in the literature in individuals affected with ALPK3-related conditions. ClinVar contains an entry for this variant (Variation ID: 1451606). For these reasons, this variant has been classified as Pathogenic.

Ambry Genetics
Classification: Pathogenic for Cardiovascular phenotype. Last evaluated: 2023-11-27. Review status: criteria provided, single submitter. Criteria: Ambry Variant Classification Scheme 2023. Collection method: clinical testing. Allele origin: germline.
Comment: The p.Q913* pathogenic mutation (also known as c.2737C>T), located in coding exon 6 of the ALPK3 gene, results from a C to T substitution at nucleotide position 2737. This changes the amino acid from a glutamine to a stop codon within coding exon 6. This variant is considered to be rare based on population cohorts in the Genome Aggregation Database (gnomAD). This alteration is expected to result in loss of function by premature protein truncation or nonsense-mediated mRNA decay. As such, this alteration is interpreted as a disease-causing mutation.

Literature cited by the submitters: PubMed 21441111 (cited by Labcorp Genetics (formerly Invitae), Labcorp); PubMed 26846950 (cited by Labcorp Genetics (formerly Invitae), Labcorp); PubMed 27106955 (cited by Labcorp Genetics (formerly Invitae), Labcorp); PubMed 34263907 (cited by Labcorp Genetics (formerly Invitae), Labcorp).

NM_020778.5(ALPK3):c.2131C>T (p.Gln711Ter)

Gene: ALPK3 (alpha kinase 3; plus strand). Cytogenetic location: 15q25.3.
Variant type: single nucleotide variant.
Coding change: c.2131C>T on transcript NM_020778.5 (MANE Select); coding-DNA position 2131, C replaced by T.
Protein change: p.Gln711Ter; replaces glutamine 711 with a stop codon.
Molecular consequence: nonsense.
Genome position (GRCh38, 1-based): chr15:84,856,869, C>T. VCF-style: chr15-84856869-C-T. GRCh37 (hg19) VCF-style: chr15-85400100-C-T.
Other names: c.2737C>T (NM_020778.4); short protein forms Q711*.
Identifiers: ClinVar variation 1451606 (VCV001451606.9), dbSNP rs1295297874, ClinGen allele CA393356049.